The following is an entry in ClinVar:

ClinVar aggregate classification (germline): Uncertain significance (1 of 4 stars; one submission).

Conditions:
Hereditary cancer-predisposing syndrome. Also called: Neoplastic Syndromes, Hereditary; Tumor predisposition; Hereditary neoplastic syndrome; Hereditary Cancer Syndrome. Identifiers: Orphanet 140162, MedGen C0027672, MeSH D009386, MONDO:0015356.

gnomAD v4.1: 5 of 1,614,058 alleles (0.00031%); highest among the groups gnomAD compares: East Asian, 0.011%; no homozygotes.

Submission:

Ambry Genetics
Classification: Uncertain significance for Hereditary cancer-predisposing syndrome. Last evaluated: 2026-08-17. Review status: criteria provided, single submitter. Criteria: Ambry Variant Classification Scheme 2023. Collection method: clinical testing. Allele origin: germline.
Comment: The p.P946L variant (also known as c.2837C>T), located in coding exon 17 of the PTCH1 gene, results from a C to T substitution at nucleotide position 2837. The proline at codon 946 is replaced by leucine, an amino acid with similar properties. This amino acid position is conserved. In addition, this alteration is predicted to be deleterious by in silico analysis. Based on the available evidence, the clinical significance of this variant remains unclear.

NM_000264.5(PTCH1):c.2837C>T (p.Pro946Leu)

Gene: PTCH1 (patched 1; minus strand). Cytogenetic location: 9q22.32.
Variant type: single nucleotide variant.
Coding change: c.2837C>T on transcript NM_000264.5 (MANE Select); coding-DNA position 2837, C replaced by T.
Protein change: p.Pro946Leu; replaces proline 946 with leucine.
Molecular consequence: missense variant. On other transcripts: non-coding transcript variant (1).
Genome position (GRCh38, 1-based): chr9:95,459,650, G>A on the plus strand (C>T on the coding strand, the complement: PTCH1 is on the minus strand). VCF-style: chr9-95459650-G-A. GRCh37 (hg19) VCF-style: chr9-98221932-G-A.
Other names: c.2639C>T, p.Pro880Leu (NM_001083602.3); c.2834C>T, p.Pro945Leu (NM_001083603.3); c.2384C>T, p.Pro795Leu (NM_001083604.3, NM_001083605.3, NM_001083606.3 and 1 more transcripts); c.2681C>T, p.Pro894Leu (NM_001354918.2); short protein forms P795L, P880L, P894L, P945L, P946L.
Identifiers: ClinVar variation 5027543 (VCV005027543.1).